The following is an entry in ClinVar:

ClinVar aggregate classification (germline): Uncertain significance (1 of 4 stars; one submission).

gnomAD v4.1: 1 of 1,614,138 alleles (0.000062%); highest among the groups gnomAD compares: Non-Finnish European, 0.000085%; no homozygotes.

Submission:

GeneDx
Classification: Uncertain significance. Last evaluated: 2026-02-18. Review status: criteria provided, single submitter. Criteria: GeneDx Variant Classification Process June 2021. Collection method: clinical testing. Allele origin: germline.
Comment: Not observed at significant frequency in large population cohorts (gnomAD); In silico analysis supports that this missense variant has a deleterious effect on protein structure/function; Has not been previously published as pathogenic or benign to our knowledge

NM_006445.4(PRPF8):c.2797C>T (p.Arg933Cys)

Gene: PRPF8 (pre-mRNA processing factor 8; minus strand). Cytogenetic location: 17p13.3.
Variant type: single nucleotide variant.
Coding change: c.2797C>T on transcript NM_006445.4 (MANE Select); coding-DNA position 2797, C replaced by T.
Protein change: p.Arg933Cys; replaces arginine 933 with cysteine.
Molecular consequence: missense variant.
Genome position (GRCh38, 1-based): chr17:1,675,695, G>A on the plus strand (C>T on the coding strand, the complement: PRPF8 is on the minus strand). VCF-style: chr17-1675695-G-A. GRCh37 (hg19) VCF-style: chr17-1578989-G-A.
Other names: short protein forms R933C.
Identifiers: ClinVar variation 5009704 (VCV005009704.1).